The following is an entry in ClinVar:

ClinVar aggregate classification (germline): Pathogenic (1 of 4 stars; one submission).

Conditions:
Inborn genetic diseases. Identifiers: MedGen C0950123, MeSH D030342.

Submission:

Ambry Genetics
Classification: Pathogenic for Inborn genetic diseases. Last evaluated: 2019-01-25. Review status: criteria provided, single submitter. Criteria: Ambry Variant Classification Scheme 2023. Collection method: clinical testing. Allele origin: germline.
Comment: The c.1825_1826dupGA pathogenic mutation, located in coding exon 10 of the SATB2 gene, results from a duplication of GA at nucleotide position 1825, causing a translational frameshift with a predicted alternate stop codon (p.D609Efs*16). This alteration is expected to result in loss of function by premature protein truncation. In addition, multiple other frameshift and nonsense alterations in coding exon 10 have been reported in individuals with SATB2-related neurodevelopmental disorders; commonly reported clinical features in these cases include: developmental delay/intellectual disability, absent speech, high or cleft palate, abnormal dentition, skeletal findings (low bone density, fractures, scoliosis), and/or happy/jovial personality (Zarate YA et al. Am. J. Med. Genet. A, 2015 May;167A:1026-32; Boone PM et al. Am. J. Med. Genet. A, 2016 11;170:3028-3032; Bengani H et al. Genet. Med., 2017 08;19:900-908; Zarate YA et al. Am. J. Med. Genet. A, 2018 04;176:925-935). Also, this duplication is predicted to result in loss of the homeodomain which is conserved among different species and between SATB1 and SATB2 (FitzPatrick DR et al. Hum. Mol. Genet., 2003 Oct;12:2491-501; Sheehan-Rooney K et al. Dev. Dyn., 2010 Dec;239:3481-91); the highly similar homeodomain in SATB1 has been demostrated to bind DNAs, indicating that this domain is important for protein function (Purbey PK et al. Nucleic Acids Res., 2008 Apr;36:2107-22; Yamasaki K et al. Biochem. J., 2016 10;473:3321-39). Based on the supporting evidence, this alteration is interpreted as a disease-causing mutation.

Literature cited by the submitters: PubMed 12915443; PubMed 18187506; PubMed 21089028; PubMed 25885067; PubMed 27409069; PubMed 27462121; PubMed 28151491; PubMed 29436146.

NM_001172509.2(SATB2):c.1825_1826dup (p.Asp609fs)

Genes: SATB2 (SATB homeobox 2; minus strand), LOC126806462 (MED14-independent group 3 enhancer GRCh37_chr2:200136608-200137807; plus strand). Cytogenetic location: 2q33.1.
Variant type: Duplication.
Coding change: c.1825_1826dup on transcript NM_001172509.2 (MANE Select); coding-DNA positions 1825 to 1826, 2 bases duplicated (GA; older notation c.1825_1826dupGA).
Protein change: p.Asp609fs; shifts the reading frame from aspartic acid 609.
Molecular consequence: frameshift variant.
Genome position (GRCh38, 1-based): chr2:199,272,587-199,272,588, TC duplicated on the plus strand (GA on the coding strand, the reverse complement: SATB2 is on the minus strand); duplicating any 2 consecutive bases within chr2:199,272,587-199,272,589 gives the same sequence; the c. name uses the placement nearest the transcript's 3' end. VCF-style (leftmost placement, unchanged base first): chr2-199272586-G-GTC. GRCh37 (hg19) VCF-style: chr2-200137309-G-GTC.
Other names: c.1825_1826dup, p.Asp609fs (NM_001172517.1, NM_015265.4); short protein forms D609fs.
Identifiers: ClinVar variation 1780822 (VCV001780822.2), dbSNP rs2468783640, ClinGen allele CA2580065418.